The following is an entry in ClinVar:

ClinVar aggregate classification (germline): Uncertain significance. Review status: criteria provided, multiple submitters, no conflicts (2 of 4 stars). 2 submissions from 2 submitters: Uncertain significance (2). Last evaluated 2024-11-22.

Conditions:
Cleft lip. Also called: Cleft lip (disease). Identifiers: MedGen C4321245, MONDO:0004747, HP:0410030.

Allele frequency attached by ClinVar (database versions not stated): ExAC 0.00001; gnomAD exomes 0.00001 and 0.00002.
gnomAD v4.1: 22 of 1,613,768 alleles (0.0014%); highest among the groups gnomAD compares: South Asian, 0.0055%; no homozygotes.

Submissions (2):

Broad Center for Mendelian Genomics, Broad Institute of MIT and Harvard
Classification: Uncertain significance for Cleft lip. Last evaluated: 2024-11-22. Review status: criteria provided, single submitter. Criteria: ACMG Guidelines, 2015. Collection method: curation. Allele origin: germline. Inheritance: Autosomal dominant inheritance. Study: GREGoR Consortium.
Comment: While this gene is still lacking sufficient evidence to establish a gene-disease relationship, we believe this is a possible novel gene candidate for cleft lip. Given the limited information about this gene-disease relationship, the significance of the p.Glu1161Lys variant is uncertain. If you have any additional information about functional evidence or other individuals with this phenotype that also have variants in ZNF462 we encourage you to reach out to us.

CeGaT Center for Human Genetics Tuebingen
Classification: Uncertain significance. Last evaluated: 2021-11-01. Review status: criteria provided, single submitter. Criteria: CeGaT Center For Human Genetics Tuebingen Variant Classification Criteria Version 2. Collection method: clinical testing. Allele origin: germline. Affected: yes. Observed: 1 variant allele.

NM_021224.6(ZNF462):c.3481G>A (p.Glu1161Lys)

Gene: ZNF462 (zinc finger protein 462; plus strand). Cytogenetic location: 9q31.2.
Variant type: single nucleotide variant.
Coding change: c.3481G>A on transcript NM_021224.6 (MANE Select); coding-DNA position 3481, G replaced by A.
Protein change: p.Glu1161Lys; replaces glutamic acid 1161 with lysine.
Molecular consequence: missense variant. On other transcripts: intron variant (1).
Genome position (GRCh38, 1-based): chr9:106,927,393, G>A. VCF-style: chr9-106927393-G-A. GRCh37 (hg19) VCF-style: chr9-109689674-G-A.
Other names: NM_021224.6(ZNF462):c.3481G>A; p.Glu1161Lys; c.3252+229G>A (NM_001347997.2); short protein forms E1161K.
Identifiers: ClinVar variation 1335732 (VCV001335732.35), dbSNP rs746021945, ClinGen allele CA5171668.